The following is an entry in ClinVar:

ClinVar aggregate classification (germline): Likely benign. Review status: criteria provided, multiple submitters, no conflicts (2 of 4 stars). 3 submissions from 3 submitters: Likely benign (3). Last evaluated 2026-08-21.

Conditions:
TRIO-related disorder. Also called: TRIO-related condition; TRIO-related disorders.

Allele frequency attached by ClinVar (database versions not stated): gnomAD 0.00004; TOPMed 0.00005; gnomAD exomes 0.00006 and 0.00009; ESP Exome Variant Server 0.00008; ExAC 0.00012.
gnomAD v4.1: 96 of 1,614,072 alleles (0.0059%); highest among the groups gnomAD compares: Non-Finnish European, 0.0075%; no homozygotes.

Submissions (3):

PreventionGenetics, part of Exact Sciences
Classification: Likely benign for TRIO-related condition. Last evaluated: 2026-08-21. Review status: criteria provided, single submitter. Criteria: ACMG Guidelines, 2015. Collection method: clinical testing. Allele origin: germline.
Comment: This variant is classified as likely benign based on ACMG/AMP sequence variant interpretation guidelines (Richards et al. 2015 PMID: 25741868, with internal and published modifications).

CeGaT Center for Human Genetics Tuebingen
Classification: Likely benign. Last evaluated: 2026-03-01. Review status: criteria provided, single submitter. Criteria: CeGaT Center For Human Genetics Tuebingen Variant Classification Criteria Version 2. Collection method: clinical testing. Allele origin: germline. Affected: yes. Observed: 1 variant allele.
Comment: TRIO: BS2

GeneDx
Classification: Likely benign. Last evaluated: 2019-05-17. Review status: criteria provided, single submitter. Criteria: GeneDx Variant Classification Process June 2021. Collection method: clinical testing. Allele origin: germline. Affected: yes.
Comment: Has not been previously published as pathogenic or benign to our knowledge

NM_007118.4(TRIO):c.8066T>C (p.Ile2689Thr)

Genes: TRIO (trio Rho guanine nucleotide exchange factor; plus strand), LOC126807323 (CDK7 strongly-dependent group 2 enhancer GRCh37_chr5:14497716-14498915; plus strand). Cytogenetic location: 5p15.2.
Variant type: single nucleotide variant.
Coding change: c.8066T>C on transcript NM_007118.4 (MANE Select); coding-DNA position 8066, T replaced by C.
Protein change: p.Ile2689Thr; replaces isoleucine 2689 with threonine.
Molecular consequence: missense variant. On other transcripts: non-coding transcript variant (1).
Genome position (GRCh38, 1-based): chr5:14,498,107, T>C. VCF-style: chr5-14498107-T-C. GRCh37 (hg19) VCF-style: chr5-14498216-T-C.
Other names: c.8066T>C (NM_007118.3); short protein forms I2689T.
Identifiers: ClinVar variation 1208307 (VCV001208307.9), dbSNP rs142582947, ClinGen allele CA3207732.